The following is an entry in ClinVar:

ClinVar aggregate classification (germline): Pathogenic. Review status: criteria provided, multiple submitters, no conflicts (2 of 4 stars). 4 submissions from 4 submitters: Pathogenic (2). 2 of the submissions do not count toward it. Last evaluated 2020-08-26.

Conditions:
Charcot-Marie-Tooth disease. Also called: Charcot-Marie-Tooth Neuropathy; Charcot-Marie-Tooth Hereditary Neuropathy. Identifiers: Orphanet 166, MedGen C0007959, MONDO:0015626.
Charcot-Marie-Tooth Neuropathy X. Identifiers: MedGen CN118851.
Charcot-Marie-Tooth disease X-linked dominant 1. Also called: CHARCOT-MARIE-TOOTH NEUROPATHY, X-LINKED, 1; CHARCOT-MARIE-TOOTH PERONEAL MUSCULAR ATROPHY, X-LINKED; HEREDITARY MOTOR AND SENSORY NEUROPATHY, X-LINKED; HMSN, X-LINKED; Charcot-Marie-Tooth Neuropathy X Type 1; X-linked Charcot-Marie-Tooth disease type 1. Identifiers: Orphanet 101075, MedGen C0393808, MONDO:0010549, OMIM 302800.

Submissions (4):

Labcorp Genetics (formerly Invitae), Labcorp
Classification: Pathogenic for Charcot-Marie-Tooth Neuropathy X. Last evaluated: 2020-08-26. Review status: criteria provided, single submitter. Criteria: Invitae Variant Classification Sherloc (09022015). Collection method: clinical testing. Allele origin: germline.
Comment: For these reasons, this variant has been classified as Pathogenic. This variant disrupts the C-terminus of the GJB1 protein. Other variant(s) that disrupt this region (p.Arg220*) have been determined to be pathogenic (PMID: 7477983, 8162049, 9364054, 21291455). This suggests that variants that disrupt this region of the protein are likely to be causative of disease. This variant has been observed in individual(s) with Charcot-Marie-Tooth disease (PMID: 12402337). ClinVar contains an entry for this variant (Variation ID: 246095). This variant is not present in population databases (ExAC no frequency). This sequence change results in a premature translational stop signal in the GJB1 gene (p.Trp77*). While this is not anticipated to result in nonsense mediated decay, it is expected to disrupt the last 207 amino acids of the GJB1 protein.

GeneDx
Classification: Pathogenic. Last evaluated: 2016-03-28. Review status: criteria provided, single submitter. Criteria: GeneDx Variant Classification (06012015). Collection method: clinical testing. Allele origin: germline. Affected: yes.
Comment: The W77X nonsense variant in the GJB1 gene has been reported previously in association with CMTX1 (Bone et al., 1997; Numakura et al., 2002). This pathogenic variant is predicted to cause loss of normal protein function through protein truncation, as the last 207 amino acids are lost. It was not observed in approximately 6,500 individuals of European and African American ancestry in the NHLBI Exome Sequencing Project, indicating it is not a common benign variant in these populations. Additionally, multiple other downstream nonsense and loss-of-function variants have been reported in the Human Gene Mutation Database in association with CMTX1 (Stenson et al., 2014).

Inherited Neuropathy Consortium Ii, University Of Miami
Classification: Uncertain significance for Charcot-Marie-Tooth disease X-linked dominant 1. Last evaluated: 2016-01-06. Review status: no assertion criteria provided. Collection method: literature only. Allele origin: germline. Affected: yes. Not counted in ClinVar's aggregate classification.

Inherited Neuropathy Consortium
Classification: Uncertain significance for Charcot-Marie-Tooth disease. Review status: no assertion criteria provided. Collection method: literature only. Allele origin: germline. Affected: yes. Not counted in ClinVar's aggregate classification.

Literature cited by the submitters: PubMed 7477983 (cited by Labcorp Genetics (formerly Invitae), Labcorp); PubMed 8162049 (cited by Labcorp Genetics (formerly Invitae), Labcorp); PubMed 9364054 (cited by Labcorp Genetics (formerly Invitae), Labcorp); PubMed 21291455 (cited by Labcorp Genetics (formerly Invitae), Labcorp); PubMed 12402337 (cited by 3 submitters).

NM_000166.6(GJB1):c.231G>A (p.Trp77Ter)

Gene: GJB1 (gap junction protein beta 1; plus strand). Cytogenetic location: Xq13.1.
Variant type: single nucleotide variant.
Coding change: c.231G>A on transcript NM_000166.6 (MANE Select); coding-DNA position 231, G replaced by A.
Protein change: p.Trp77Ter; replaces tryptophan 77 with a stop codon.
Molecular consequence: nonsense.
Genome position (GRCh38, 1-based): chrX:71,223,938, G>A. VCF-style: chrX-71223938-G-A. GRCh37 (hg19) VCF-style: chrX-70443788-G-A.
Other names: c.231G>A, p.Trp77Ter (NM_001097642.3); short protein forms W77*.
Identifiers: ClinVar variation 246095 (VCV000246095.12), dbSNP rs879254096, ClinGen allele CA10584636.